The following is an entry in ClinVar:

NM_001130823.3(DNMT1):c.3196G>A (p.Val1066Met)

Gene: DNMT1 (DNA methyltransferase 1; minus strand). Cytogenetic location: 19p13.2.
Variant type: single nucleotide variant.
Coding change: c.3196G>A on transcript NM_001130823.3 (MANE Select); coding-DNA position 3196, G replaced by A.
Protein change: p.Val1066Met; replaces valine 1066 with methionine.
Molecular consequence: missense variant.
Genome position (GRCh38, 1-based): chr19:10,142,141, C>T on the plus strand (G>A on the coding strand, the complement: DNMT1 is on the minus strand). VCF-style: chr19-10142141-C-T. GRCh37 (hg19) VCF-style: chr19-10252817-C-T.
Other names: c.3196G>A (NM_001130823.2); c.3148G>A, p.Val1050Met (NM_001318730.2, NM_001379.4); c.2833G>A, p.Val945Met (NM_001318731.2); short protein forms V1066M, V1050M, V945M.
Identifiers: ClinVar variation 498104 (VCV000498104.17), dbSNP rs187394074, ClinGen allele CA9187819.

ClinVar aggregate classification (germline): Conflicting classifications of pathogenicity. Review status: criteria provided, conflicting classifications (1 of 4 stars). 5 submissions from 5 submitters: Uncertain significance (1); Likely benign (4). Last evaluated 2025-04-29.

Conditions:
DNMT1-related disorder. Also called: DNMT1-related condition. Identifiers: MedGen CN381527.
Inborn genetic diseases. Identifiers: MedGen C0950123, MeSH D030342.
Autosomal dominant cerebellar ataxia, deafness and narcolepsy. Also called: Autosomal Dominant Cerebellar Ataxia, Deafness, and Narcolepsy (ADCA-DN). Identifiers: Orphanet 314404, MedGen C4302668, MONDO:0011397, OMIM 604121.
Hereditary sensory neuropathy-deafness-dementia syndrome. Also called: Hereditary Sensory and Autonomic Neuropathy Type 1E (HSAN1E); HSN IE; Hereditary sensory neuropathy type IE; NEUROPATHY, HEREDITARY SENSORY, WITH HEARING LOSS AND DEMENTIA. Identifiers: Orphanet 456318, MedGen C3279885, MONDO:0013584, OMIM 614116.

Allele frequency attached by ClinVar (database versions not stated): TOPMed 0.00002; gnomAD 0.00004 and 0.00007; ExAC 0.00011; gnomAD exomes 0.00011 and 0.00012; 1000 Genomes Project 30x 0.00031; 1000 Genomes Project 0.00040.
gnomAD v4.1: 168 of 1,614,032 alleles (0.01%); highest among the groups gnomAD compares: East Asian, 0.32%; 1 homozygote.

Submissions (5):

PreventionGenetics, part of Exact Sciences
Classification: Likely benign for DNMT1-related condition. Last evaluated: 2025-04-29. Review status: criteria provided, single submitter. Criteria: ACMG Guidelines, 2015. Collection method: clinical testing. Allele origin: germline.
Comment: This variant is classified as likely benign based on ACMG/AMP sequence variant interpretation guidelines (Richards et al. 2015 PMID: 25741868, with internal and published modifications).

Labcorp Genetics (formerly Invitae), Labcorp
Classification: Likely benign for Hereditary sensory neuropathy-deafness-dementia syndrome. Last evaluated: 2025-04-13. Review status: criteria provided, single submitter. Criteria: Invitae Variant Classification Sherloc (09022015). Collection method: clinical testing. Allele origin: germline.

Department of Pathology and Laboratory Medicine, Sinai Health System
Classification: Likely benign for autosomal dominant cerebellar ataxia, deafness and narcolepsy. Last evaluated: 2022-05-05. Review status: criteria provided, single submitter. Criteria: ACMG Guidelines, 2015. Collection method: research. Allele origin: germline.

Ambry Genetics
Classification: Likely benign for Inborn genetic diseases. Last evaluated: 2019-11-27. Review status: criteria provided, single submitter. Criteria: Ambry Variant Classification Scheme 2023. Collection method: clinical testing. Allele origin: germline.

Eurofins Ntd Llc (ga)
Classification: Uncertain significance. Last evaluated: 2016-12-08. Review status: criteria provided, single submitter. Criteria: EGL Classification Definitions 2015. Collection method: clinical testing. Allele origin: germline. Observed: 1 variant allele, 1 heterozygote.